The following is an entry in ClinVar:

ClinVar aggregate classification (germline): Uncertain significance (1 of 4 stars; one submission).

Submission:

Labcorp Genetics (formerly Invitae), Labcorp
Classification: Uncertain significance. Last evaluated: 2025-09-08. Review status: criteria provided, single submitter. Criteria: Invitae Variant Classification Sherloc (09022015). Collection method: clinical testing. Allele origin: germline.
Comment: This sequence change replaces proline, which is neutral and non-polar, with leucine, which is neutral and non-polar, at codon 315 of the FLVCR1 protein (p.Pro315Leu). This variant is not present in population databases (gnomAD no frequency). This variant has not been reported in the literature in individuals affected with FLVCR1-related conditions. ClinVar contains an entry for this variant (Variation ID: 1053346). An algorithm developed to predict the effect of missense changes on protein structure and function outputs the following: PolyPhen-2: "Benign". The leucine amino acid residue is found in multiple mammalian species, which suggests that this missense change does not adversely affect protein function. In summary, the available evidence is currently insufficient to determine the role of this variant in disease. Therefore, it has been classified as a Variant of Uncertain Significance.

NM_014053.4(FLVCR1):c.944C>T (p.Pro315Leu)

Gene: FLVCR1 (FLVCR choline and heme transporter 1; plus strand). Cytogenetic location: 1q32.3.
Variant type: single nucleotide variant.
Coding change: c.944C>T on transcript NM_014053.4 (MANE Select); coding-DNA position 944, C replaced by T.
Protein change: p.Pro315Leu; replaces proline 315 with leucine.
Molecular consequence: missense variant.
Genome position (GRCh38, 1-based): chr1:212,872,738, C>T. VCF-style: chr1-212872738-C-T. GRCh37 (hg19) VCF-style: chr1-213046080-C-T.
Other names: short protein forms P315L.
Identifiers: ClinVar variation 1053346 (VCV001053346.9), dbSNP rs572881055, ClinGen allele CA344791818.
Genomic context (GRCh38, chr1:212,872,738, plus strand): 5'-CCTTCAAAGAAAAACCTCGGTATCCACCAAGTCAGGCTCAAGCAGCTCTTCAAGACAGTC[C>T]CCCTGAAGAGTACTCCTATAAGAAATCAATAAGAAACCTGTTTAAAAACATTCCTTTTGT-3'
Protein context (NP_054772.1, residues 305-325): SQAQAALQDS[Pro315Leu]PEEYSYKKSI